The following is an entry in ClinVar:

ClinVar aggregate classification (germline): Likely benign (1 of 4 stars; one submission).

Allele frequency attached by ClinVar (database versions not stated): gnomAD exomes below 0.00001.
gnomAD v4.1: 2 of 1,613,260 alleles (0.00012%); highest among the groups gnomAD compares: Non-Finnish European, 0.00017%; no homozygotes.

Submission:

CeGaT Center for Human Genetics Tuebingen
Classification: Likely benign. Last evaluated: 2022-11-01. Review status: criteria provided, single submitter. Criteria: CeGaT Center For Human Genetics Tuebingen Variant Classification Criteria Version 2. Collection method: clinical testing. Allele origin: germline. Affected: yes. Observed: 1 variant allele.
Comment: TERT: PM2:Supporting, BP4, BP7

NM_198253.3(TERT):c.1545G>T (p.Arg515=)

Gene: TERT (telomerase reverse transcriptase; minus strand). Cytogenetic location: 5p15.33.
Variant type: single nucleotide variant.
Coding change: c.1545G>T on transcript NM_198253.3 (MANE Select); coding-DNA position 1545, G replaced by T.
Protein change: p.Arg515=; no amino-acid change (arginine 515 retained).
Molecular consequence: synonymous variant. On other transcripts: non-coding transcript variant (2).
Genome position (GRCh38, 1-based): chr5:1,293,341, C>A on the plus strand (G>T on the coding strand, the complement: TERT is on the minus strand). VCF-style: chr5-1293341-C-A. GRCh37 (hg19) VCF-style: chr5-1293456-C-A.
Other names: c.1545G>T, p.Arg515= (NM_001193376.3, NM_003219.1).
Identifiers: ClinVar variation 2655275 (VCV002655275.24), dbSNP rs2126683743, ClinGen allele CA443240309.